The following is an entry in ClinVar:

ClinVar aggregate classification (germline): Conflicting classifications of pathogenicity. Review status: criteria provided, conflicting classifications (1 of 4 stars). 2 submissions from 2 submitters: Uncertain significance (1); Likely benign (1). Last evaluated 2026-09-01.

Conditions:
Loeys-Dietz syndrome 4 (LDS4). Also called: TGFB2-Related Loeys-Dietz Syndrome; ANEURYSM, AORTIC AND CEREBRAL, WITH ARTERIAL TORTUOSITY AND SKELETAL MANIFESTATIONS. Identifiers: MedGen C3553762, MONDO:0013897, OMIM 614816.

Allele frequency attached by ClinVar (database versions not stated): gnomAD exomes below 0.00001; TOPMed 0.00001.
gnomAD v4.1: 1 of 1,614,078 alleles (0.000062%); no homozygotes.

Submissions (2):

CeGaT Center for Human Genetics Tuebingen
Classification: Uncertain significance. Last evaluated: 2026-09-01. Review status: criteria provided, single submitter. Criteria: CeGaT Center For Human Genetics Tuebingen Variant Classification Criteria Version 2. Collection method: clinical testing. Allele origin: germline. Affected: yes. Observed: 1 variant allele.
Comment: TGFB2: PM2:Supporting, BP4

Labcorp Genetics (formerly Invitae), Labcorp
Classification: Likely benign for Loeys-Dietz syndrome 4. Last evaluated: 2021-01-25. Review status: criteria provided, single submitter. Criteria: Invitae Variant Classification Sherloc (09022015). Collection method: clinical testing. Allele origin: germline.

NM_003238.6(TGFB2):c.828G>A (p.Gly276=)

Gene: TGFB2 (transforming growth factor beta 2; plus strand). Cytogenetic location: 1q41.
Variant type: single nucleotide variant.
Coding change: c.828G>A on transcript NM_003238.6 (MANE Select); coding-DNA position 828, G replaced by A.
Protein change: p.Gly276=; no amino-acid change (glycine 276 retained).
Molecular consequence: synonymous variant.
Genome position (GRCh38, 1-based): chr1:218,436,043, G>A. VCF-style: chr1-218436043-G-A. GRCh37 (hg19) VCF-style: chr1-218609385-G-A.
Other names: c.912G>A, p.Gly304= (NM_001135599.4).
Identifiers: ClinVar variation 1591897 (VCV001591897.9), dbSNP rs1659959926, ClinGen allele CA423173185.